The following is an entry in ClinVar:

ClinVar aggregate classification (germline): Pathogenic (1 of 4 stars; one submission).

Conditions:
Ellis-van Creveld syndrome (EVC). Also called: MESOECTODERMAL DYSPLASIA; Chondroectodermal dysplasia. Identifiers: Orphanet 289, MedGen C0013903, MONDO:0009162, OMIM 225500.

Submission:

Myriad Genetics, Inc.
Classification: Pathogenic for Ellis-van Creveld syndrome. Last evaluated: 2023-12-26. Review status: criteria provided, single submitter. Criteria: Myriad Autosomal Dominant, Autosomal Recessive and X-Linked Classification Criteria (2023). Collection method: clinical testing. Allele origin: unknown.
Comment: NM_147127.4(EVC2):c.1208delG(S403Tfs*9) is expected to be pathogenic in the context of EVC2-related Ellis-van Creveld syndrome. This variant is predicted to lead to an abnormal or absent protein product due to the creation of a premature termination codon in EVC2, a gene where loss-of-function variants are known to be pathogenic. Please note: this variant was assessed in the context of healthy population screening.

NM_147127.5(EVC2):c.1208del (p.Ser403fs)

Genes: EVC2 (EvC ciliary complex subunit 2; minus strand), LOC126806961 (BRD4-independent group 4 enhancer GRCh37_chr4:5641443-5642642; plus strand). Cytogenetic location: 4p16.2.
Variant type: Deletion.
Coding change: c.1208del on transcript NM_147127.5 (MANE Select); coding-DNA position 1208, one base deleted (G; older notation c.1208delG).
Protein change: p.Ser403fs; shifts the reading frame from serine 403.
Molecular consequence: frameshift variant.
Genome position (GRCh38, 1-based): chr4:5,640,776, C deleted on the plus strand (G on the coding strand, the reverse complement: EVC2 is on the minus strand). VCF-style (leftmost placement, unchanged base first): chr4-5640775-GC-G. GRCh37 (hg19) VCF-style: chr4-5642502-GC-G.
Other names: c.968del, p.Ser323fs (NM_001166136.2); short protein forms S323fs, S403fs.
Identifiers: ClinVar variation 5012614 (VCV005012614.1).